The following is an entry in ClinVar:

ClinVar aggregate classification (germline): Conflicting classifications of pathogenicity. Review status: criteria provided, conflicting classifications (1 of 4 stars). 2 submissions from 2 submitters: Uncertain significance (1); Likely benign (1). Last evaluated 2025-06-23.

Conditions:
Neurodegeneration with brain iron accumulation 5 (NBIA5). Also called: STATIC ENCEPHALOPATHY OF CHILDHOOD WITH NEURODEGENERATION IN ADULTHOOD; Beta-propeller protein-associated neurodegeneration. Identifiers: Orphanet 329284, MedGen C3550973, MONDO:0010476, OMIM 300894.

Allele frequency attached by ClinVar (database versions not stated): ExAC 0.00001; gnomAD 0.00001; gnomAD exomes 0.00001.
gnomAD v4.1: 6 of 1,211,210 alleles (0.0005%); highest among the groups gnomAD compares: South Asian, 0.011%; no homozygotes.

Submissions (2):

Labcorp Genetics (formerly Invitae), Labcorp
Classification: Likely benign for Neurodegeneration with brain iron accumulation 5. Last evaluated: 2025-06-23. Review status: criteria provided, single submitter. Criteria: Invitae Variant Classification Sherloc (09022015). Collection method: clinical testing. Allele origin: germline.

GeneDx
Classification: Uncertain significance. Last evaluated: 2023-05-07. Review status: criteria provided, single submitter. Criteria: GeneDx Variant Classification Process June 2021. Collection method: clinical testing. Allele origin: germline. Affected: yes.
Comment: In silico analysis supports that this missense variant does not alter protein structure/function; Has not been previously published as pathogenic or benign to our knowledge

NM_001029896.2(WDR45):c.947C>G (p.Thr316Ser)

Gene: WDR45 (WD repeat domain 45; minus strand). Cytogenetic location: Xp11.23.
Variant type: single nucleotide variant.
Coding change: c.947C>G on transcript NM_001029896.2 (MANE Select); coding-DNA position 947, C replaced by G.
Protein change: p.Thr316Ser; replaces threonine 316 with serine.
Molecular consequence: missense variant.
Genome position (GRCh38, 1-based): chrX:49,075,162, G>C on the plus strand (C>G on the coding strand, the complement: WDR45 is on the minus strand). VCF-style: chrX-49075162-G-C. GRCh37 (hg19) VCF-style: chrX-48932821-G-C.
Other names: c.950C>G, p.Thr317Ser (NM_007075.4); c.950C>G (NM_007075.3); short protein forms T317S, T316S.
Identifiers: ClinVar variation 1520401 (VCV001520401.6), dbSNP rs781794138, ClinGen allele CA10408447.
Genomic context (GRCh38, chrX:49,075,162, plus strand): 5'-CAGTACCCCCAACCAAGGGGCTGTTCCCACTCACCAATGACAGAGTTGACGTTCTTGGAA[G>C]TATTGCGACCGAAGGCGCAGATGCAAGCTGACTCAGCAGGCACAGTGAAGCTCGCCAGGC-3'
Protein context (NP_001025067.1, residues 306-326): SACICAFGRN[Thr316Ser]SKNVNSVIAI